The following is an entry in ClinVar:

NM_003482.4(KMT2D):c.11378A>T (p.Gln3793Leu)

Gene: KMT2D (lysine methyltransferase 2D; minus strand). Cytogenetic location: 12q13.12.
Variant type: single nucleotide variant.
Coding change: c.11378A>T on transcript NM_003482.4 (MANE Select); coding-DNA position 11378, A replaced by T.
Protein change: p.Gln3793Leu; replaces glutamine 3793 with leucine.
Molecular consequence: missense variant.
Genome position (GRCh38, 1-based): chr12:49,033,327, T>A on the plus strand (A>T on the coding strand, the complement: KMT2D is on the minus strand). VCF-style: chr12-49033327-T-A. GRCh37 (hg19) VCF-style: chr12-49427110-T-A.
Other names: short protein forms Q3793L.
Identifiers: ClinVar variation 2700560 (VCV002700560.4), dbSNP rs1418290512, ClinGen allele CA384719277.
Genomic context (GRCh38, chr12:49,033,327, plus strand): 5'-TGCTGCTGCAACACAGCCACCTGGGCAGGGCCCAGCATGCCCTGGGGCCCCTGGGGTGGT[T>A]GAGGGGACAGCTGCTGGACCAGGAGGCCTTGGTGGCTGCTGGGAGGCATAAGGCCCTGGG-3'
Protein context (NP_003473.3, residues 3783-3803): QGLLVQQLSP[Gln3793Leu]PPQGPQGMLG

ClinVar aggregate classification (germline): Uncertain significance. Review status: criteria provided, multiple submitters, no conflicts (2 of 4 stars). 2 submissions from 2 submitters: Uncertain significance (2). Last evaluated 2026-09-01.

Conditions:
KMT2D-related disorder. Also called: KMT2D-Related Disorders.
Kabuki syndrome. Also called: NIIKAWA-KUROKI SYNDROME; Kabuki make-up syndrome. Identifiers: Orphanet 2322, MedGen C0796004, MONDO:0016512.

Submissions (2):

PreventionGenetics, part of Exact Sciences
Classification: Uncertain significance for KMT2D-related condition. Last evaluated: 2026-09-01. Review status: criteria provided, single submitter. Criteria: ACMG Guidelines, 2015. Collection method: clinical testing. Allele origin: germline.
Comment: The KMT2D c.11378A>T variant is predicted to result in the amino acid substitution p.Gln3793Leu. To our knowledge, this variant has not been reported in the literature or in a large population database (gnomAD), indicating this variant is rare. At this time, the clinical significance of this variant is uncertain due to the absence of conclusive functional and genetic evidence.

Labcorp Genetics (formerly Invitae), Labcorp
Classification: Uncertain significance for Kabuki syndrome. Last evaluated: 2023-12-02. Review status: criteria provided, single submitter. Criteria: Invitae Variant Classification Sherloc (09022015). Collection method: clinical testing. Allele origin: germline.
Comment: This sequence change replaces glutamine, which is neutral and polar, with leucine, which is neutral and non-polar, at codon 3793 of the KMT2D protein (p.Gln3793Leu). This variant is not present in population databases (gnomAD no frequency). This variant has not been reported in the literature in individuals affected with KMT2D-related conditions. Advanced modeling of protein sequence and biophysical properties (such as structural, functional, and spatial information, amino acid conservation, physicochemical variation, residue mobility, and thermodynamic stability) performed at Invitae indicates that this missense variant is not expected to disrupt KMT2D protein function with a negative predictive value of 95%. In summary, the available evidence is currently insufficient to determine the role of this variant in disease. Therefore, it has been classified as a Variant of Uncertain Significance.